The following is an entry in ClinVar:

NM_017852.5(NLRP2):c.781C>T (p.Leu261=)

Gene: NLRP2 (NLR family pyrin domain containing 2; plus strand). Cytogenetic location: 19q13.42.
Variant type: single nucleotide variant.
Coding change: c.781C>T on transcript NM_017852.5 (MANE Select); coding-DNA position 781, C replaced by T.
Protein change: p.Leu261=; no amino-acid change (leucine 261 retained).
Molecular consequence: synonymous variant. On other transcripts: non-coding transcript variant (1).
Genome position (GRCh38, 1-based): chr19:54,982,479, C>T. VCF-style: chr19-54982479-C-T. GRCh37 (hg19) VCF-style: chr19-55493847-C-T.
Other names: NC_000019.9:g.55493847C>T; c.781C>T, p.Leu261= (NM_001174081.3); c.715C>T, p.Leu239= (NM_001174082.3); c.712C>T, p.Leu238= (NM_001174083.2); c.772C>T, p.Leu258= (NM_001348003.2).
Identifiers: ClinVar variation 3037334 (VCV003037334.3), dbSNP rs56073572, ClinGen allele CA310103039.

ClinVar aggregate classification (germline): Benign (0 of 4 stars; one submission).

Conditions:
NLRP2-related disorder. Also called: NLRP2-related condition.

Allele frequency attached by ClinVar (database versions not stated): 1000 Genomes Project 0.03155; 1000 Genomes Project 30x 0.03186; TOPMed 0.04905; gnomAD 0.05850; ESP Exome Variant Server 0.05913; ExAC 0.06498; gnomAD exomes 0.07672.

Submissions (2):

PreventionGenetics, part of Exact Sciences
Classification: Benign for NLRP2-related condition. Last evaluated: 2019-12-09. Review status: no assertion criteria provided. Collection method: clinical testing. Allele origin: germline.
Comment: This variant is classified as benign based on ACMG/AMP sequence variant interpretation guidelines (Richards et al. 2015 PMID: 25741868, with internal and published modifications).

Dr. Peter K. Rogan Lab, Western University
No classification provided (evidence only). Condition: Familial cancer of breast. Review status: no classification provided. Collection method: in vitro. Allele origin: not applicable. Functional consequence: retained intron. Not counted in ClinVar's aggregate classification.